The following is an entry in ClinVar:

NM_030665.4(RAI1):c.834GCA[12] (p.Gln291del)

Gene: RAI1 (retinoic acid induced 1; plus strand). Cytogenetic location: 17p11.2.
Variant type: Microsatellite.
Coding change: c.834GCA[12] on transcript NM_030665.4 (MANE Select); 12 copies in a row of the 3-base unit GCA starting at c.834; the reference has 13 copies in a row; one copy, 3 bases deleted.
Protein change: p.Gln291del; deletes glutamine 291.
Molecular consequence: inframe deletion.
Genome position (GRCh38, 1-based): chr17:17,793,818-17,793,820, GCA deleted; deleting any 3 consecutive bases within chr17:17,793,780-17,793,820 gives the same sequence; the position shown is the placement nearest the transcript's 3' end. VCF-style (leftmost placement, unchanged base first): chr17-17793779-CCAG-C. GRCh37 (hg19) VCF-style: chr17-17697093-CCAG-C.
Other names: Q278del; c.870_872delGCA (NM_030665.3, NM_030665.4); short protein forms Q291del.
Identifiers: ClinVar variation 196559 (VCV000196559.29), dbSNP rs371983878, ClinGen allele CA185914.

ClinVar aggregate classification (germline): Benign. Review status: criteria provided, multiple submitters, no conflicts (2 of 4 stars). 9 submissions from 9 submitters: Benign (8). 1 of the submissions does not count toward it. Last evaluated 2026-02-04.

Conditions:
RAI1-related disorder. Also called: RAI1-related condition.
Inborn genetic diseases. Identifiers: MedGen C0950123, MeSH D030342.
Smith-Magenis syndrome (SMS). Also called: CHROMOSOME 17p11.2 DELETION SYNDROME. Identifiers: Orphanet 819, MedGen C0795864, MONDO:0008434, OMIM 182290.

Submissions (9):

Labcorp Genetics (formerly Invitae), Labcorp
Classification: Benign. Last evaluated: 2026-02-04. Review status: criteria provided, single submitter. Criteria: Invitae Variant Classification Sherloc (09022015). Collection method: clinical testing. Allele origin: germline.

Laboratory of Genetics, Children's Clinical University Hospital Latvia
Classification: Benign. Last evaluated: 2025-02-16. Review status: criteria provided, single submitter. Criteria: ACMG Guidelines, 2015. Collection method: clinical testing. Allele origin: germline. Affected: yes.

Molecular Genetics, Royal Melbourne Hospital
Classification: Benign for Smith-Magenis syndrome. Last evaluated: 2023-05-04. Review status: criteria provided, single submitter. Criteria: ACMG Guidelines, 2015. Collection method: clinical testing. Allele origin: germline. Affected: yes.
Comment: African/African American population allele frequency is 30.36% (rs74986416, 1586/5010 alleles, 148 homozygotes in gnomAD v2.1). Based on the classification scheme RMH Modified ACMG/AMP Guidelines v1.4.0, this variant is classified as BENIGN. Following criteria are met: BA1

GeneDx
Classification: Benign. Last evaluated: 2019-09-02. Review status: criteria provided, single submitter. Criteria: GeneDx Variant Classification Process June 2021. Collection method: clinical testing. Allele origin: germline. Affected: yes.

Ambry Genetics
Classification: Benign for Inborn genetic diseases. Last evaluated: 2016-08-26. Review status: criteria provided, single submitter. Criteria: Ambry Variant Classification Scheme 2023. Collection method: clinical testing. Allele origin: germline.

Genomic Diagnostic Laboratory, Division of Genomic Diagnostics, Children's Hospital of Philadelphia
Classification: Benign. Last evaluated: 2015-10-30. Review status: criteria provided, single submitter. Criteria: DGD Variant Analysis Guidelines. Collection method: clinical testing. Allele origin: unknown.

Eurofins Ntd Llc (ga)
Classification: Benign. Last evaluated: 2015-02-03. Review status: criteria provided, single submitter. Criteria: EGL Classification Definitions 2015. Collection method: clinical testing. Allele origin: germline. Observed: 1 variant allele, 1 heterozygote.

Genetic Services Laboratory, University of Chicago
Classification: Benign. Last evaluated: 2014-05-27. Review status: criteria provided, single submitter. Criteria: ACMG Guidelines, 2015. Collection method: clinical testing. Allele origin: germline.

PreventionGenetics, part of Exact Sciences
Classification: Benign for RAI1-related condition. Last evaluated: 2022-07-19. Review status: no assertion criteria provided. Collection method: clinical testing. Allele origin: germline. Not counted in ClinVar's aggregate classification.
Comment: This variant is classified as benign based on ACMG/AMP sequence variant interpretation guidelines (Richards et al. 2015 PMID: 25741868, with internal and published modifications).